The following is an entry in ClinVar:

ClinVar aggregate classification (germline): Conflicting classifications of pathogenicity. Review status: criteria provided, conflicting classifications (1 of 4 stars). 4 submissions from 4 submitters: Uncertain significance (1); Likely benign (3). Last evaluated 2025-01-30.

Conditions:
PRPF31-related disorder. Also called: PRPF31-related condition.
Retinitis pigmentosa (RP). Identifiers: Orphanet 791, MedGen C0035334, MeSH D012174, MONDO:0019200, OMIM 268000. Inheritance: Autosomal dominant, autosomal recessive and X linked inheritance.

Allele frequency attached by ClinVar (database versions not stated): gnomAD exomes 0.00001 and 0.00004; ExAC 0.00007; TOPMed 0.00011; gnomAD 0.00014 and 0.00016; 1000 Genomes Project 30x 0.00016; 1000 Genomes Project 0.00020; ESP Exome Variant Server 0.00023.
gnomAD v4.1: 31 of 1,614,008 alleles (0.0019%); highest among the groups gnomAD compares: African/African-American, 0.041%; no homozygotes.

Submissions (4):

Labcorp Genetics (formerly Invitae), Labcorp
Classification: Likely benign. Last evaluated: 2025-01-30. Review status: criteria provided, single submitter. Criteria: Invitae Variant Classification Sherloc (09022015). Collection method: clinical testing. Allele origin: germline.

PreventionGenetics, part of Exact Sciences
Classification: Likely benign for PRPF31-related condition. Last evaluated: 2024-10-17. Review status: criteria provided, single submitter. Criteria: ACMG Guidelines, 2015. Collection method: clinical testing. Allele origin: germline.
Comment: This variant is classified as likely benign based on ACMG/AMP sequence variant interpretation guidelines (Richards et al. 2015 PMID: 25741868, with internal and published modifications).

Blueprint Genetics
Classification: Likely benign. Last evaluated: 2023-07-28. Review status: criteria provided, single submitter. Criteria: ACMG Guidelines, 2015. Collection method: clinical testing. Allele origin: germline.

Illumina Laboratory Services, Illumina
Classification: Uncertain significance for Retinitis pigmentosa. Last evaluated: 2018-01-13. Review status: criteria provided, single submitter. Criteria: ICSL Variant Classification Criteria 13 December 2019. Collection method: clinical testing. Allele origin: germline.

NM_015629.4(PRPF31):c.429C>T (p.Gly143=)

Gene: PRPF31 (pre-mRNA processing factor 31; plus strand). Cytogenetic location: 19q13.42.
Variant type: single nucleotide variant.
Coding change: c.429C>T on transcript NM_015629.4 (MANE Select); coding-DNA position 429, C replaced by T.
Protein change: p.Gly143=; no amino-acid change (glycine 143 retained).
Molecular consequence: synonymous variant.
Genome position (GRCh38, 1-based): chr19:54,123,462, C>T. VCF-style: chr19-54123462-C-T. GRCh37 (hg19) VCF-style: chr19-54626841-C-T.
Identifiers: ClinVar variation 892664 (VCV000892664.9), dbSNP rs142604510, ClinGen allele CA309324681.